The following is an entry in ClinVar:

ClinVar aggregate classification (germline): Uncertain significance (1 of 4 stars; one submission).

Conditions:
Emery-Dreifuss muscular dystrophy 4, autosomal dominant (EDMD4). Also called: EMERY-DREIFUSS MUSCULAR DYSTROPHY 4 WITH VARIABLE FEATURES. Identifiers: Orphanet 261, MedGen C2751807, MONDO:0013071, OMIM 612998.
Autosomal recessive ataxia, Beauce type. Also called: Spinocerebellar ataxia, autosomal recessive 8; ATAXIA, RECESSIVE, OF BEAUCE; SYNE1-Related Autosomal Recessive Cerebellar Ataxia; SYNE1 Deficiency. Identifiers: Orphanet 88644, MedGen C1853116, MONDO:0012549, OMIM 610743.

Submission:

Labcorp Genetics (formerly Invitae), Labcorp
Classification: Uncertain significance for Emery-Dreifuss muscular dystrophy 4, autosomal dominant; Autosomal recessive ataxia, Beauce type. Last evaluated: 2023-08-04. Review status: criteria provided, single submitter. Criteria: Invitae Variant Classification Sherloc (09022015). Collection method: clinical testing. Allele origin: germline.
Comment: In summary, the available evidence is currently insufficient to determine the role of this variant in disease. Therefore, it has been classified as a Variant of Uncertain Significance. This sequence change replaces alanine, which is neutral and non-polar, with valine, which is neutral and non-polar, at codon 2434 of the SYNE1 protein (p.Ala2434Val). Algorithms developed to predict the effect of missense changes on protein structure and function output the following: SIFT: "Not Available"; PolyPhen-2: "Benign"; Align-GVGD: "Not Available". The valine amino acid residue is found in multiple mammalian species, which suggests that this missense change does not adversely affect protein function. ClinVar contains an entry for this variant (Variation ID: 944656). This variant has not been reported in the literature in individuals affected with SYNE1-related conditions. This variant is not present in population databases (gnomAD no frequency).

NM_182961.4(SYNE1):c.7280C>T (p.Ala2427Val)

Gene: SYNE1 (spectrin repeat containing nuclear envelope protein 1; minus strand). Cytogenetic location: 6q25.2.
Variant type: single nucleotide variant.
Coding change: c.7280C>T on transcript NM_182961.4 (MANE Select); coding-DNA position 7280, C replaced by T.
Protein change: p.Ala2427Val; replaces alanine 2427 with valine.
Molecular consequence: missense variant.
Genome position (GRCh38, 1-based): chr6:152,398,689, G>A on the plus strand (C>T on the coding strand, the complement: SYNE1 is on the minus strand). VCF-style: chr6-152398689-G-A. GRCh37 (hg19) VCF-style: chr6-152719824-G-A.
Other names: c.7301C>T, p.Ala2434Val (NM_033071.5); short protein forms A2427V, A2434V.
Identifiers: ClinVar variation 944656 (VCV000944656.9), dbSNP rs2097770762, ClinGen allele CA366115626.
Genomic context (GRCh38, chr6:152,398,689, plus strand): 5'-TGGAGCTTTGCTTCTAGAACTTTGCTGTCACCGGTGCGATCTGATGATTCTTTTGCTGCT[G>A]CCTTTGCTCCCAAAAACCATTCTTGGAATTCCTGCATAGACTCTTTTGAAAGAAAAAATA-3'
Protein context (NP_892006.3, residues 2417-2437): EFQEWFLGAK[Ala2427Val]AAKESSDRTG